The following is an entry in ClinVar:

ClinVar aggregate classification (germline): Uncertain significance. Review status: criteria provided, multiple submitters, no conflicts (2 of 4 stars). 2 submissions from 2 submitters: Uncertain significance (2). Last evaluated 2025-12-28.

Allele frequency attached by ClinVar (database versions not stated): ESP Exome Variant Server 0.00008.
gnomAD v4.1: 40 of 1,610,654 alleles (0.0025%); highest among the groups gnomAD compares: African/African-American, 0.008%; no homozygotes.

Submissions (2):

Labcorp Genetics (formerly Invitae), Labcorp
Classification: Uncertain significance. Last evaluated: 2025-12-28. Review status: criteria provided, single submitter. Criteria: Invitae Variant Classification Sherloc (09022015). Collection method: clinical testing. Allele origin: germline.
Comment: This sequence change replaces alanine, which is neutral and non-polar, with threonine, which is neutral and polar, at codon 276 of the LZTS1 protein (p.Ala276Thr). This variant is present in population databases (rs150380039, gnomAD 0.02%). This variant has not been reported in the literature in individuals affected with LZTS1-related conditions. ClinVar contains an entry for this variant (Variation ID: 1913997). Invitae Evidence Modeling of protein sequence and biophysical properties (such as structural, functional, and spatial information, amino acid conservation, physicochemical variation, residue mobility, and thermodynamic stability) indicates that this missense variant is not expected to disrupt LZTS1 protein function with a negative predictive value of 80%. In summary, the available evidence is currently insufficient to determine the role of this variant in disease. Therefore, it has been classified as a Variant of Uncertain Significance.

Ambry Genetics
Classification: Uncertain significance. Last evaluated: 2025-08-30. Review status: criteria provided, single submitter. Criteria: Ambry Variant Classification Scheme 2023. Collection method: clinical testing. Allele origin: germline.

NM_021020.5(LZTS1):c.826G>A (p.Ala276Thr)

Gene: LZTS1 (leucine zipper tumor suppressor 1; minus strand). Cytogenetic location: 8p21.3.
Variant type: single nucleotide variant.
Coding change: c.826G>A on transcript NM_021020.5 (MANE Select); coding-DNA position 826, G replaced by A.
Protein change: p.Ala276Thr; replaces alanine 276 with threonine.
Molecular consequence: missense variant.
Genome position (GRCh38, 1-based): chr8:20,253,105, C>T on the plus strand (G>A on the coding strand, the complement: LZTS1 is on the minus strand). VCF-style: chr8-20253105-C-T. GRCh37 (hg19) VCF-style: chr8-20110616-C-T.
Other names: c.826G>A, p.Ala276Thr (NM_001362884.2); c.826G>A (NM_021020.2); short protein forms A276T.
Identifiers: ClinVar variation 1913997 (VCV001913997.6), dbSNP rs150380039, ClinGen allele CA4657435.